The following is an entry in ClinVar:

ClinVar aggregate classification (germline): Uncertain significance (1 of 4 stars; one submission).

Conditions:
Long QT syndrome (LQTS). Identifiers: MedGen C0023976, MeSH D008133, MONDO:0002442. Disease mechanism: loss of function. Inheritance: Various modes of inheritance.

Submission:

Labcorp Genetics (formerly Invitae), Labcorp
Classification: Uncertain significance for Long QT syndrome. Last evaluated: 2020-10-05. Review status: criteria provided, single submitter. Criteria: Invitae Variant Classification Sherloc (09022015). Collection method: clinical testing. Allele origin: germline.
Comment: This sequence change replaces leucine with isoleucine at codon 2128 of the CACNA1C protein (p.Leu2128Ile). The leucine residue is weakly conserved and there is a small physicochemical difference between leucine and isoleucine. This variant is not present in population databases (ExAC no frequency). In summary, the available evidence is currently insufficient to determine the role of this variant in disease. Therefore, it has been classified as a Variant of Uncertain Significance. Algorithms developed to predict the effect of missense changes on protein structure and function (SIFT, PolyPhen-2, Align-GVGD) all suggest that this variant is likely to be tolerated, but these predictions have not been confirmed by published functional studies and their clinical significance is uncertain. This variant has not been reported in the literature in individuals with CACNA1C-related conditions.

NM_000719.7(CACNA1C):c.6382C>A (p.Leu2128Ile)

Gene: CACNA1C (calcium voltage-gated channel subunit alpha1 C; plus strand). Cytogenetic location: 12p13.33.
Variant type: single nucleotide variant.
Coding change: c.6382C>A on transcript NM_000719.7 (MANE Select); coding-DNA position 6382, C replaced by A.
Protein change: p.Leu2128Ile; replaces leucine 2128 with isoleucine.
Molecular consequence: missense variant.
Genome position (GRCh38, 1-based): chr12:2,691,164, C>A. VCF-style: chr12-2691164-C-A. GRCh37 (hg19) VCF-style: chr12-2800330-C-A.
Other names: c.6526C>A, p.Leu2176Ile (NM_001129827.2); c.6505C>A, p.Leu2169Ile (NM_001129829.2); c.6487C>A, p.Leu2163Ile (NM_001129830.3, NM_001167624.3); c.6466C>A, p.Leu2156Ile (NM_001129831.2); c.6442C>A, p.Leu2148Ile (NM_001129832.2); c.6439C>A, p.Leu2147Ile (NM_001129833.2, NM_001129834.2, NM_001129835.2); c.6433C>A, p.Leu2145Ile (NM_001129836.2); c.6406C>A, p.Leu2136Ile (NM_001129837.2, NM_001129838.2); and 6 more; short protein forms L2117I, L2125I, L2128I, L2134I, L2136I, L2145I, L2147I, L2148I.
Identifiers: ClinVar variation 1015045 (VCV001015045.9), dbSNP rs2097784040, ClinGen allele CA383387771.
Genomic context (GRCh38, chr12:2,691,164, plus strand): 5'-GCCGGGGGCGAAGAGGACGCGGGCTGTGTGCGCGCGCGGGGTCGACCGAGTGAGGAGGAG[C>A]TCCAGGACAGCAGGGTCTACGTCAGCAGCCTGTAGTGGGCGCTGCCAGATGCGGGCTTTT-3'
Protein context (NP_000710.5, residues 2118-2138): RARGRPSEEE[Leu2128Ile]QDSRVYVSSL